The following is an entry in ClinVar:

ClinVar aggregate classification (germline): Uncertain significance. Review status: criteria provided, multiple submitters, no conflicts (2 of 4 stars). 4 submissions from 4 submitters: Uncertain significance (4). Last evaluated 2025-07-27.

Conditions:
Charcot-Marie-Tooth disease type 2A1. Also called: CHARCOT-MARIE-TOOTH DISEASE, AXONAL, AUTOSOMAL DOMINANT, TYPE 2A1; CHARCOT-MARIE-TOOTH DISEASE, NEURONAL, TYPE 2A1; CHARCOT-MARIE-TOOTH NEUROPATHY, TYPE 2A1; HEREDITARY MOTOR AND SENSORY NEUROPATHY IIA1; CHARCOT-MARIE-TOOTH DISEASE, AXONAL, TYPE 2A1. Identifiers: Orphanet 99946, MedGen C1861678, MONDO:0007308, OMIM 118210.
Charcot-Marie-Tooth disease type 2. Also called: Charcot-Marie-Tooth type 2. Identifiers: Orphanet 64746, MedGen C0270914, MONDO:0018993.
Charcot-Marie-Tooth disease. Also called: Charcot-Marie-Tooth Neuropathy; Charcot-Marie-Tooth Hereditary Neuropathy. Identifiers: Orphanet 166, MedGen C0007959, MONDO:0015626.

Allele frequency attached by ClinVar (database versions not stated): gnomAD exomes 0.00003 and 0.00004; TOPMed 0.00002; ExAC 0.00003.
gnomAD v4.1: 57 of 1,613,286 alleles (0.0035%); highest among the groups gnomAD compares: Non-Finnish European, 0.0047%; no homozygotes.

Submissions (4):

Labcorp Genetics (formerly Invitae), Labcorp
Classification: Uncertain significance for Charcot-Marie-Tooth disease type 2. Last evaluated: 2025-07-27. Review status: criteria provided, single submitter. Criteria: Invitae Variant Classification Sherloc (09022015). Collection method: clinical testing. Allele origin: germline.
Comment: This sequence change replaces threonine, which is neutral and polar, with arginine, which is basic and polar, at codon 1229 of the KIF1B protein (p.Thr1229Arg). This variant is present in population databases (rs749610931, gnomAD 0.007%). This variant has not been reported in the literature in individuals affected with KIF1B-related conditions. ClinVar contains an entry for this variant (Variation ID: 543204). An algorithm developed to predict the effect of missense changes on protein structure and function (PolyPhen-2) suggests that this variant is likely to be disruptive. In summary, the available evidence is currently insufficient to determine the role of this variant in disease. Therefore, it has been classified as a Variant of Uncertain Significance.

Ambry Genetics
Classification: Uncertain significance. Last evaluated: 2025-01-28. Review status: criteria provided, single submitter. Criteria: Ambry Variant Classification Scheme 2023. Collection method: clinical testing. Allele origin: germline.

Revvity Omics, Revvity
Classification: Uncertain significance for Charcot-Marie-Tooth disease type 2A1. Last evaluated: 2019-11-18. Review status: criteria provided, single submitter. Criteria: ACMG Guidelines, 2015. Collection method: clinical testing. Allele origin: germline.

Molecular Genetics Laboratory, London Health Sciences Centre
Classification: Uncertain significance for Charcot-Marie-Tooth disease. Review status: criteria provided, single submitter. Criteria: ACMG Guidelines, 2015. Collection method: clinical testing. Allele origin: germline. Affected: yes.

NM_001365951.3(KIF1B):c.3824C>G (p.Thr1275Arg)

Gene: KIF1B (kinesin family member 1B; plus strand). Cytogenetic location: 1p36.22.
Variant type: single nucleotide variant.
Coding change: c.3824C>G on transcript NM_001365951.3 (MANE Select); coding-DNA position 3824, C replaced by G.
Protein change: p.Thr1275Arg; replaces threonine 1275 with arginine.
Molecular consequence: missense variant.
Genome position (GRCh38, 1-based): chr1:10,347,787, C>G. VCF-style: chr1-10347787-C-G. GRCh37 (hg19) VCF-style: chr1-10407845-C-G.
Other names: c.3824C>G, p.Thr1275Arg (NM_001365952.1); c.3686C>G, p.Thr1229Arg (NM_015074.3); short protein forms T1229R, T1275R.
Identifiers: ClinVar variation 543204 (VCV000543204.15), dbSNP rs749610931, ClinGen allele CA581890.